The following is an entry in ClinVar:

ClinVar aggregate classification (germline): Uncertain significance. Review status: criteria provided, multiple submitters, no conflicts (2 of 4 stars). 5 submissions from 4 submitters: Uncertain significance (5). Last evaluated 2025-07-03.

Conditions:
RASopathy. Also called: Noonan spectrum disorder; rasopathies. Identifiers: Orphanet 536391, MedGen C5555857, MONDO:0021060.
Cardiovascular phenotype. Identifiers: MedGen CN230736.
Fibromatosis, gingival, 1 (GINGF1). Identifiers: Orphanet 2024, MedGen C4551558, MONDO:0007609, OMIM 135300.
Noonan syndrome 4 (NS4). Also called: SOS1-Related Noonan Syndrome; NOONAN SYNDROME WITH PIGMENTED VILLONODULAR SYNOVITIS. Identifiers: Orphanet 648, MedGen C1853120, MONDO:0012547, OMIM 610733.

Allele frequency attached by ClinVar (database versions not stated): TOPMed below 0.00001.
gnomAD v4.1: 2 of 1,611,874 alleles (0.00012%); highest among the groups gnomAD compares: African/African-American, 0.0027%; no homozygotes.

Submissions (5):

Labcorp Genetics (formerly Invitae), Labcorp
Classification: Uncertain significance for RASopathy. Last evaluated: 2025-07-03. Review status: criteria provided, single submitter. Criteria: Invitae Variant Classification Sherloc (09022015). Collection method: clinical testing. Allele origin: germline.
Comment: This sequence change replaces glutamic acid, which is acidic and polar, with glutamine, which is neutral and polar, at codon 946 of the SOS1 protein (p.Glu946Gln). This variant is not present in population databases (gnomAD no frequency). This variant has not been reported in the literature in individuals affected with SOS1-related conditions. ClinVar contains an entry for this variant (Variation ID: 596437). Invitae Evidence Modeling of protein sequence and biophysical properties (such as structural, functional, and spatial information, amino acid conservation, physicochemical variation, residue mobility, and thermodynamic stability) indicates that this missense variant is not expected to disrupt SOS1 protein function with a negative predictive value of 95%. In summary, the available evidence is currently insufficient to determine the role of this variant in disease. Therefore, it has been classified as a Variant of Uncertain Significance.

Ambry Genetics
Classification: Uncertain significance for Cardiovascular phenotype. Last evaluated: 2022-12-31. Review status: criteria provided, single submitter. Criteria: Ambry Variant Classification Scheme 2023. Collection method: clinical testing. Allele origin: germline.
Comment: The p.E946Q variant (also known as c.2836G>C), located in coding exon 18 of the SOS1 gene, results from a G to C substitution at nucleotide position 2836. The glutamic acid at codon 946 is replaced by glutamine, an amino acid with highly similar properties. This amino acid position is conserved. In addition, this alteration is predicted to be tolerated by in silico analysis. Since supporting evidence is limited at this time, the clinical significance of this alteration remains unclear.

Eurofins Ntd Llc (ga)
Classification: Uncertain significance. Last evaluated: 2018-03-05. Review status: criteria provided, single submitter. Criteria: EGL ClinVar v180209 classification definitions. Collection method: clinical testing. Allele origin: germline. Observed: 1 variant allele, 1 heterozygote.

Genome-Nilou Lab
Classification: Uncertain significance for Noonan syndrome 4. Review status: criteria provided, single submitter. Criteria: ACMG Guidelines, 2015. Collection method: clinical testing. Allele origin: germline.

Genome-Nilou Lab
Classification: Uncertain significance for Fibromatosis, gingival, 1. Review status: criteria provided, single submitter. Criteria: ACMG Guidelines, 2015. Collection method: clinical testing. Allele origin: germline.

NM_005633.4(SOS1):c.2836G>C (p.Glu946Gln)

Gene: SOS1 (SOS Ras/Rac guanine nucleotide exchange factor 1; minus strand). Cytogenetic location: 2p22.1.
Variant type: single nucleotide variant.
Coding change: c.2836G>C on transcript NM_005633.4 (MANE Select); coding-DNA position 2836, G replaced by C.
Protein change: p.Glu946Gln; replaces glutamic acid 946 with glutamine.
Molecular consequence: missense variant.
Genome position (GRCh38, 1-based): chr2:38,997,381, C>G on the plus strand (G>C on the coding strand, the complement: SOS1 is on the minus strand). VCF-style: chr2-38997381-C-G. GRCh37 (hg19) VCF-style: chr2-39224522-C-G.
Other names: c.2836G>C (NM_005633.3); c.2815G>C, p.Glu939Gln (NM_001382394.1); c.2836G>C, p.Glu946Gln (NM_001382395.1); short protein forms E946Q, E939Q.
Identifiers: ClinVar variation 596437 (VCV000596437.13), dbSNP rs1558460847, ClinGen allele CA346362592.